The following is an entry in ClinVar:

ClinVar aggregate classification (germline): Uncertain significance (1 of 4 stars; one submission).

gnomAD v4.1: 254 of 1,612,724 alleles (0.016%); highest among the groups gnomAD compares: African/African-American, 0.12%; no homozygotes.

Submission:

Labcorp Genetics (formerly Invitae), Labcorp
Classification: Uncertain significance. Last evaluated: 2025-08-20. Review status: criteria provided, single submitter. Criteria: Invitae Variant Classification Sherloc (09022015). Collection method: clinical testing. Allele origin: germline.
Comment: This sequence change replaces asparagine, which is neutral and polar, with serine, which is neutral and polar, at codon 1371 of the ZDBF2 protein (p.Asn1371Ser). This variant is present in population databases (rs202080968, gnomAD 0.1%), and has an allele count higher than expected for a pathogenic variant. This variant has not been reported in the literature in individuals affected with ZDBF2-related conditions. ClinVar contains an entry for this variant (Variation ID: 3657806). An algorithm developed to predict the effect of missense changes on protein structure and function outputs the following: PolyPhen-2: "Benign". The serine amino acid residue is found in multiple mammalian species, which suggests that this missense change does not adversely affect protein function. In summary, the available evidence is currently insufficient to determine the role of this variant in disease. Therefore, it has been classified as a Variant of Uncertain Significance.

NM_020923.3(ZDBF2):c.4112A>G (p.Asn1371Ser)

Gene: ZDBF2 (zinc finger DBF-type containing 2; plus strand). Cytogenetic location: 2q33.3.
Variant type: single nucleotide variant.
Coding change: c.4112A>G on transcript NM_020923.3 (MANE Select); coding-DNA position 4112, A replaced by G.
Protein change: p.Asn1371Ser; replaces asparagine 1371 with serine.
Molecular consequence: missense variant.
Genome position (GRCh38, 1-based): chr2:206,308,640, A>G. VCF-style: chr2-206308640-A-G. GRCh37 (hg19) VCF-style: chr2-207173364-A-G.
Other names: c.4106A>G, p.Asn1369Ser (NM_001285549.2); c.4112A>G, p.Asn1371Ser (NM_001369654.1); short protein forms N1371S, N1369S.
Identifiers: ClinVar variation 3657806 (VCV003657806.2).